The following is an entry in ClinVar:

ClinVar aggregate classification (germline): Uncertain significance (1 of 4 stars; one submission).

Conditions:
Saldino-Mainzer syndrome (SRTD9). Also called: CONORENAL SYNDROME; Renal dysplasia, retinal pigmentary dystrophy, cerebellar ataxia and skeletal dysplasia; SHORT-RIB THORACIC DYSPLASIA 9 WITHOUT POLYDACTYLY; short-rib thoracic dysplasia 9 with or without polydactyly. Identifiers: Orphanet 140969, MedGen C1849437, MONDO:0009964, OMIM 266920.

Allele frequency attached by ClinVar (database versions not stated): ExAC 0.00001; gnomAD exomes 0.00001; TOPMed 0.00001.
gnomAD v4.1: 14 of 1,613,958 alleles (0.00087%); highest among the groups gnomAD compares: Middle Eastern, 0.049%; no homozygotes.

Submission:

Labcorp Genetics (formerly Invitae), Labcorp
Classification: Uncertain significance for Saldino-Mainzer syndrome. Last evaluated: 2022-08-16. Review status: criteria provided, single submitter. Criteria: Invitae Variant Classification Sherloc (09022015). Collection method: clinical testing. Allele origin: germline.
Comment: This sequence change replaces threonine, which is neutral and polar, with methionine, which is neutral and non-polar, at codon 1120 of the IFT140 protein (p.Thr1120Met). This variant is present in population databases (rs756215215, gnomAD 0.006%). This variant has not been reported in the literature in individuals affected with IFT140-related conditions. ClinVar contains an entry for this variant (Variation ID: 1346924). Algorithms developed to predict the effect of missense changes on protein structure and function are either unavailable or do not agree on the potential impact of this missense change (SIFT: "Tolerated"; PolyPhen-2: "Possibly Damaging"; Align-GVGD: "Class C0"). In summary, the available evidence is currently insufficient to determine the role of this variant in disease. Therefore, it has been classified as a Variant of Uncertain Significance.

NM_014714.4(IFT140):c.3359C>T (p.Thr1120Met)

Gene: IFT140 (intraflagellar transport 140; minus strand). Cytogenetic location: 16p13.3.
Variant type: single nucleotide variant.
Coding change: c.3359C>T on transcript NM_014714.4 (MANE Select); coding-DNA position 3359, C replaced by T.
Protein change: p.Thr1120Met; replaces threonine 1120 with methionine.
Molecular consequence: missense variant.
Genome position (GRCh38, 1-based): chr16:1,523,612, G>A on the plus strand (C>T on the coding strand, the complement: IFT140 is on the minus strand). VCF-style: chr16-1523612-G-A. GRCh37 (hg19) VCF-style: chr16-1573613-G-A.
Other names: short protein forms T1120M.
Identifiers: ClinVar variation 1346924 (VCV001346924.5), dbSNP rs756215215, ClinGen allele CA7813197.